The following is an entry in ClinVar:

ClinVar aggregate classification (germline): Uncertain significance (1 of 4 stars; one submission).

Conditions:
Pitt-Hopkins-like syndrome 2 (PTHSL2). Identifiers: Orphanet 221150, Orphanet 600663, MedGen C3280479, MONDO:0013690, OMIM 614325.

Allele frequency attached by ClinVar (database versions not stated): TOPMed below 0.00001.

Submission:

Labcorp Genetics (formerly Invitae), Labcorp
Classification: Uncertain significance for Pitt-Hopkins-like syndrome 2. Last evaluated: 2024-02-22. Review status: criteria provided, single submitter. Criteria: Invitae Variant Classification Sherloc (09022015). Collection method: clinical testing. Allele origin: germline.
Comment: This sequence change replaces glycine, which is neutral and non-polar, with alanine, which is neutral and non-polar, at codon 74 of the NRXN1 protein (p.Gly74Ala). This variant is not present in population databases (gnomAD no frequency). This variant has not been reported in the literature in individuals affected with NRXN1-related conditions. ClinVar contains an entry for this variant (Variation ID: 1040105). An algorithm developed to predict the effect of missense changes on protein structure and function (PolyPhen-2) suggests that this variant is likely to be disruptive. In summary, the available evidence is currently insufficient to determine the role of this variant in disease. Therefore, it has been classified as a Variant of Uncertain Significance.

NM_001330078.2(NRXN1):c.221G>C (p.Gly74Ala)

Gene: NRXN1 (neurexin 1; minus strand). Cytogenetic location: 2p16.3.
Variant type: single nucleotide variant.
Coding change: c.221G>C on transcript NM_001330078.2 (MANE Select); coding-DNA position 221, G replaced by C.
Protein change: p.Gly74Ala; replaces glycine 74 with alanine.
Molecular consequence: missense variant.
Genome position (GRCh38, 1-based): chr2:51,028,053, C>G on the plus strand (G>C on the coding strand, the complement: NRXN1 is on the minus strand). VCF-style: chr2-51028053-C-G. GRCh37 (hg19) VCF-style: chr2-51255191-C-G.
Other names: c.221G>C, p.Gly74Ala (NM_001135659.3, NM_001330077.2, NM_001330079.2 and 15 more transcripts); short protein forms G74A.
Identifiers: ClinVar variation 1040105 (VCV001040105.8), dbSNP rs1488689496, ClinGen allele CA346824438.